The following is an entry in ClinVar:

NM_005378.6(MYCN):c.-84G>T

Genes: MYCN (MYCN proto-oncogene, bHLH transcription factor; plus strand), MYCNOS (MYCN opposite strand; minus strand). Cytogenetic location: 2p24.3.
Variant type: single nucleotide variant.
Coding change: c.-84G>T on transcript NM_005378.6 (MANE Select); 84 bases upstream of the start codon, G replaced by T.
Molecular consequence: 5 prime UTR variant. On other transcripts: missense variant (1), intron variant (1).
Genome position (GRCh38, 1-based): chr2:15,941,981, G>T. VCF-style: chr2-15941981-G-T. GRCh37 (hg19) VCF-style: chr2-16082103-G-T.
Other names: c.-84G>T (NM_001293228.2); c.191G>T, p.Arg64Leu (NM_001293233.2); c.157+1238G>T (NM_001293231.2); short protein forms R64L.
Identifiers: ClinVar variation 1805019 (VCV001805019.1), dbSNP rs981068491, ClinGen allele CA43192088.
Genomic context (GRCh38, chr2:15,941,981, plus strand): 5'-CCTCTCCGGTGTGTCTGTCGGTTGCAGTGTTGGAGGTCGGCGCCGGCCCCCGCCTTCCGC[G>T]CCCCCCACGGGAAGGAAGCACCCCCGGTATTAAAACGAACGGGGCGGAAAGAAGCCCTCA-3'

ClinVar aggregate classification (germline): Uncertain significance (1 of 4 stars; one submission).

Conditions:
Feingold syndrome type 1 (FGLDS1). Also called: MICROCEPHALY, MENTAL RETARDATION, AND TRACHEOESOPHAGEAL FISTULA SYNDROME; MICROCEPHALY-OCULO-DIGITO-ESOPHAGEAL-DUODENAL SYNDROME; OCULODIGITOESOPHAGODUODENAL SYNDROME; ODED SYNDROME; MICROCEPHALY AND DIGITAL ABNORMALITIES WITH NORMAL INTELLIGENCE. Identifiers: Orphanet 1305, Orphanet 391641, MedGen C4551774, MONDO:0008115, OMIM 164280.

gnomAD v4.1: 3 of 1,553,582 alleles (0.00019%); highest among the groups gnomAD compares: African/African-American, 0.0014%; 1 homozygote.

Submission:

Victorian Clinical Genetics Services, Murdoch Childrens Research Institute
Classification: Uncertain significance for Feingold syndrome type 1. Last evaluated: 2020-07-02. Review status: criteria provided, single submitter. Criteria: ACMG Guidelines, 2015. Collection method: clinical testing. Allele origin: germline. Inheritance: Autosomal dominant inheritance. Affected: yes.
Comment: Based on the classification scheme VCGS_Germline_v1.1.1, this variant is classified as VUS - 3C. Following criteria are met: 0103 - Both loss- and gain-of-function are known mechanisms of disease for this gene. A single variant has been reported with gain of function properties (p.Thr58Met), as it results in protection from phosphorylation and consequently protein degradation (PMID: 30573562). (N) 0107 - This gene is known to be associated with autosomal dominant disease. (N) 0200 - Variant is predicted to result in a missense amino acid change from an arginine to a leucine (exon 2). (N) 0251 - Variant is heterozygous. (N) 0301 - Variant is absent from gnomAD v3. (P) 0502 - Missense variant with uninformative in silico predictions and/or conservation. (N) 0604 - Variant is not located in an established domain, motif, hotspot or informative constraint region. (N) 0705 - No comparable variants have previous evidence for pathogenicity. (N) 0807 - Variant has not previously been reported in a clinical context. (N) 0905 - No segregation evidence has been identified for this variant. (N) 1007 - No published functional evidence has been identified for this variant. (N) 1208 - Inheritance information for this variant is not currently available. (N) Legend: (P) - Pathogenic, (N) - Neutral, (B) - Benign

Literature cited by the submitters: PubMed 30573562.